The following is an entry in ClinVar:

ClinVar aggregate classification (germline): Uncertain significance (1 of 4 stars; one submission).

Conditions:
Intellectual developmental disorder, autosomal dominant 1. Also called: Intellectual disability, autosomal dominant 1; MBD5 Haploinsufficiency. Identifiers: Orphanet 228402, MedGen C1969562, MONDO:0007974, OMIM 156200.

Allele frequency attached by ClinVar (database versions not stated): gnomAD exomes 0.00001.
gnomAD v4.1: 3 of 1,613,950 alleles (0.00019%); highest among the groups gnomAD compares: Non-Finnish European, 0.00025%; no homozygotes.

Submission:

Labcorp Genetics (formerly Invitae), Labcorp
Classification: Uncertain significance for Intellectual developmental disorder, autosomal dominant 1. Last evaluated: 2022-01-10. Review status: criteria provided, single submitter. Criteria: Invitae Variant Classification Sherloc (09022015). Collection method: clinical testing. Allele origin: germline.
Comment: This variant is not present in population databases (gnomAD no frequency). This sequence change replaces isoleucine, which is neutral and non-polar, with serine, which is neutral and polar, at codon 266 of the MBD5 protein (p.Ile266Ser). This variant has not been reported in the literature in individuals affected with MBD5-related conditions. ClinVar contains an entry for this variant (Variation ID: 1051247). Algorithms developed to predict the effect of missense changes on protein structure and function are either unavailable or do not agree on the potential impact of this missense change (SIFT: "Deleterious"; PolyPhen-2: "Benign"; Align-GVGD: "Class C65"). In summary, the available evidence is currently insufficient to determine the role of this variant in disease. Therefore, it has been classified as a Variant of Uncertain Significance.

NM_001378120.1(MBD5):c.797T>G (p.Ile266Ser)

Gene: MBD5 (methyl-CpG binding domain protein 5; plus strand). Cytogenetic location: 2q23.1.
Variant type: single nucleotide variant.
Coding change: c.797T>G on transcript NM_001378120.1 (MANE Select); coding-DNA position 797, T replaced by G.
Protein change: p.Ile266Ser; replaces isoleucine 266 with serine.
Molecular consequence: missense variant.
Genome position (GRCh38, 1-based): chr2:148,468,740, T>G. VCF-style: chr2-148468740-T-G. GRCh37 (hg19) VCF-style: chr2-149226309-T-G.
Other names: c.797T>G, p.Ile266Ser (NM_018328.5); short protein forms I266S.
Identifiers: ClinVar variation 1051247 (VCV001051247.9), dbSNP rs2105626027, ClinGen allele CA348717745.
Genomic context (GRCh38, chr2:148,468,740, plus strand): 5'-GTCCTGATGTTTTCACAAGAAGTAATCCTGGTTTTCATGGAGCTCCCAATTCTAGTCCTA[T>G]TCACCTGAATAGGACTCCTCTTTCTCCACCTTCAGTAATGCTACATGGTTCTCCTGTACA-3'
Protein context (NP_001365049.1, residues 256-276): GFHGAPNSSP[Ile266Ser]HLNRTPLSPP